The following is an entry in ClinVar:

ClinVar aggregate classification (germline): Benign (1 of 4 stars; one submission).

Conditions:
Intellectual developmental disorder, X-linked 72. Also called: Intellectual disability, X-linked 72. Identifiers: Orphanet 777, MedGen C1846038, MONDO:0010289, OMIM 300271.

Allele frequency attached by ClinVar (database versions not stated): 1000 Genomes Project 30x 0.00458; 1000 Genomes Project 0.00477; gnomAD 0.00051 and 0.00073; TOPMed 0.00148.

Submission:

Illumina Laboratory Services, Illumina
Classification: Benign for Intellectual developmental disorder, X-linked 72. Last evaluated: 2018-01-12. Review status: criteria provided, single submitter. Criteria: ICSL Variant Classification Criteria 13 December 2019. Collection method: clinical testing. Allele origin: germline.
Comment: This variant was observed in the ICSL laboratory as part of a predisposition screen in an ostensibly healthy population. It had not been previously curated by ICSL or reported in the Human Gene Mutation Database (HGMD: prior to June 1st, 2018), and was therefore a candidate for classification through an automated scoring system. Utilizing variant allele frequency, disease prevalence and penetrance estimates, and inheritance mode, an automated score was calculated to assess if this variant is too frequent to cause the disease. Based on the score and internal cut-off values, a variant classified as benign is not then subjected to further curation. The score for this variant resulted in a classification of benign for this disease.

NM_171998.4(RAB39B):c.*1079A>C

Gene: RAB39B (RAB39B, member RAS oncogene family; minus strand). Cytogenetic location: Xq28.
Variant type: single nucleotide variant.
Coding change: c.*1079A>C on transcript NM_171998.4 (MANE Select); 1079 bases downstream of the stop codon, A replaced by C.
Molecular consequence: 3 prime UTR variant.
Genome position (GRCh38, 1-based): chrX:155,259,724, T>G on the plus strand (A>C on the coding strand, the complement: RAB39B is on the minus strand). VCF-style: chrX-155259724-T-G. GRCh37 (hg19) VCF-style: chrX-154489009-T-G.
Identifiers: ClinVar variation 368138 (VCV000368138.5), dbSNP rs147409916, ClinGen allele CA10653873.